The following is an entry in ClinVar:

ClinVar aggregate classification (germline): Uncertain significance. Review status: criteria provided, multiple submitters, no conflicts (2 of 4 stars). 2 submissions from 2 submitters: Uncertain significance (2). Last evaluated 2025-10-02.

Conditions:
Inborn genetic diseases. Identifiers: MedGen C0950123, MeSH D030342.

Allele frequency attached by ClinVar (database versions not stated): gnomAD 0.00003; TOPMed 0.00005; 1000 Genomes Project 0.00040; ESP Exome Variant Server 0.00008; gnomAD exomes 0.00003; 1000 Genomes Project 30x 0.00062; ExAC 0.00007.
gnomAD v4.1: 43 of 1,613,414 alleles (0.0027%); highest among the groups gnomAD compares: Admixed American, 0.012%; no homozygotes.

Submissions (2):

Ambry Genetics
Classification: Uncertain significance for Inborn genetic diseases. Last evaluated: 2025-10-02. Review status: criteria provided, single submitter. Criteria: Ambry Variant Classification Scheme 2023. Collection method: clinical testing. Allele origin: germline.

Labcorp Genetics (formerly Invitae), Labcorp
Classification: Uncertain significance. Last evaluated: 2023-10-13. Review status: criteria provided, single submitter. Criteria: Invitae Variant Classification Sherloc (09022015). Collection method: clinical testing. Allele origin: germline.
Comment: This sequence change replaces arginine, which is basic and polar, with tryptophan, which is neutral and slightly polar, at codon 576 of the RARS protein (p.Arg576Trp). This variant is present in population databases (rs147793623, gnomAD 0.02%). This variant has not been reported in the literature in individuals affected with RARS-related conditions. ClinVar contains an entry for this variant (Variation ID: 1896783). Advanced modeling of protein sequence and biophysical properties (such as structural, functional, and spatial information, amino acid conservation, physicochemical variation, residue mobility, and thermodynamic stability) performed at Invitae indicates that this missense variant is not expected to disrupt RARS protein function. In summary, the available evidence is currently insufficient to determine the role of this variant in disease. Therefore, it has been classified as a Variant of Uncertain Significance.

NM_002887.4(RARS1):c.1726C>T (p.Arg576Trp)

Gene: RARS1 (arginyl-tRNA synthetase 1; plus strand). Cytogenetic location: 5q34.
Variant type: single nucleotide variant.
Coding change: c.1726C>T on transcript NM_002887.4 (MANE Select); coding-DNA position 1726, C replaced by T.
Protein change: p.Arg576Trp; replaces arginine 576 with tryptophan.
Molecular consequence: missense variant.
Genome position (GRCh38, 1-based): chr5:168,517,915, C>T. VCF-style: chr5-168517915-C-T. GRCh37 (hg19) VCF-style: chr5-167944920-C-T.
Other names: c.1726C>T (NM_002887.3); short protein forms R576W.
Identifiers: ClinVar variation 1896783 (VCV001896783.4), dbSNP rs147793623, ClinGen allele CA3549995.